The following is an entry in ClinVar:

ClinVar aggregate classification (germline): Uncertain significance (1 of 4 stars; one submission).

Conditions:
Cardiovascular phenotype. Identifiers: MedGen CN230736.

gnomAD v4.1: 3 of 1,613,794 alleles (0.00019%); highest among the groups gnomAD compares: Non-Finnish European, 0.00025%; no homozygotes.

Submissions (2):

Ambry Genetics
Classification: Uncertain significance for Cardiovascular phenotype. Last evaluated: 2025-10-01. Review status: criteria provided, single submitter. Criteria: Ambry Variant Classification Scheme 2023. Collection method: clinical testing. Allele origin: germline.
Comment: The p.R61S variant (also known as c.181C>A), located in coding exon 2 of the SPRED1 gene, results from a C to A substitution at nucleotide position 181. The arginine at codon 61 is replaced by serine, an amino acid with dissimilar properties. This amino acid position is conserved. In addition, the in silico prediction for this alteration is inconclusive. Based on the available evidence, the clinical significance of this variant remains unclear.

Dr. Peter K. Rogan Lab, Western University
No classification provided (evidence only). Condition: Melanoma. Review status: no classification provided. Collection method: in vitro. Allele origin: not applicable. Functional consequence: skipped exon. Not counted in ClinVar's aggregate classification.

NM_152594.3(SPRED1):c.181C>A (p.Arg61Ser)

Gene: SPRED1 (sprouty related EVH1 domain containing 1; plus strand). Cytogenetic location: 15q14.
Variant type: single nucleotide variant.
Coding change: c.181C>A on transcript NM_152594.3 (MANE Select); coding-DNA position 181, C replaced by A.
Protein change: p.Arg61Ser; replaces arginine 61 with serine.
Molecular consequence: missense variant.
Genome position (GRCh38, 1-based): chr15:38,299,521, C>A. VCF-style: chr15-38299521-C-A. GRCh37 (hg19) VCF-style: chr15-38591722-C-A.
Other names: NC_000015.9:g.38591722C>A; c.181C>A (NM_152594.2); short protein forms R61S.
Identifiers: ClinVar variation 4401672 (VCV004401672.2).
Genomic context (GRCh38, chr15:38,299,521, plus strand): 5'-AGCGTCACTGTCTTCAAAGTCCCTCATCAGGAAGAGAATGGCTGTGCTGACTTTTTTATC[C>A]GTGGAGAGCGACTCAGGGACAAAATGGTAATGAATAATGTATCTAATACTATAATTTTAG-3'
Protein context (NP_689807.1, residues 51-71): EENGCADFFI[Arg61Ser]GERLRDKMVV